The following is an entry in ClinVar:

NM_001353345.2(SETD1B):c.2154A>C (p.Pro718=)

Gene: SETD1B (SET domain containing 1B, histone lysine methyltransferase; plus strand). Cytogenetic location: 12q24.31.
Variant type: single nucleotide variant.
Coding change: c.2154A>C on transcript NM_001353345.2 (MANE Select); coding-DNA position 2154, A replaced by C.
Protein change: p.Pro718=; no amino-acid change (proline 718 retained).
Molecular consequence: synonymous variant.
Genome position (GRCh38, 1-based): chr12:121,814,369, A>C. VCF-style: chr12-121814369-A-C. GRCh37 (hg19) VCF-style: chr12-122252275-A-C.
Identifiers: ClinVar variation 3905384 (VCV003905384.10).

ClinVar aggregate classification (germline): Likely benign (1 of 4 stars; one submission).

Submission:

CeGaT Center for Human Genetics Tuebingen
Classification: Likely benign. Last evaluated: 2025-05-01. Review status: criteria provided, single submitter. Criteria: CeGaT Center For Human Genetics Tuebingen Variant Classification Criteria Version 2. Collection method: clinical testing. Allele origin: germline. Affected: yes. Observed: 1 variant allele.
Comment: SETD1B: BP4, BP7